The following is an entry in ClinVar:

NM_001270.4(CHD1):c.3355C>T (p.Pro1119Ser)

Gene: CHD1 (chromodomain helicase DNA binding protein 1; minus strand). Cytogenetic location: 5q15.
Variant type: single nucleotide variant.
Coding change: c.3355C>T on transcript NM_001270.4 (MANE Select); coding-DNA position 3355, C replaced by T.
Protein change: p.Pro1119Ser; replaces proline 1119 with serine.
Molecular consequence: missense variant. On other transcripts: non-coding transcript variant (2).
Genome position (GRCh38, 1-based): chr5:98,876,441, G>A on the plus strand (C>T on the coding strand, the complement: CHD1 is on the minus strand). VCF-style: chr5-98876441-G-A. GRCh37 (hg19) VCF-style: chr5-98212145-G-A.
Other names: c.3355C>T, p.Pro1119Ser (NM_001364113.3, NM_001376194.2); short protein forms P1119S.
Identifiers: ClinVar variation 4072740 (VCV004072740.1).

ClinVar aggregate classification (germline): Uncertain significance (1 of 4 stars; one submission).

Submission:

GeneDx
Classification: Uncertain significance. Last evaluated: 2025-01-30. Review status: criteria provided, single submitter. Criteria: GeneDx Variant Classification Process June 2021. Collection method: clinical testing. Allele origin: germline. Affected: yes.
Comment: Not observed at significant frequency in large population cohorts (gnomAD); In silico analysis indicates that this missense variant does not alter protein structure/function; Has not been previously published as pathogenic or benign to our knowledge